The following is an entry in ClinVar:

ClinVar aggregate classification (germline): Uncertain significance (1 of 4 stars; one submission).

gnomAD v4.1: 2 of 1,613,924 alleles (0.00012%); highest among the groups gnomAD compares: African/African-American, 0.0027%; no homozygotes.

Submission:

Labcorp Genetics (formerly Invitae), Labcorp
Classification: Uncertain significance. Last evaluated: 2023-07-19. Review status: criteria provided, single submitter. Criteria: Invitae Variant Classification Sherloc (09022015). Collection method: clinical testing. Allele origin: germline.
Comment: In summary, the available evidence is currently insufficient to determine the role of this variant in disease. Therefore, it has been classified as a Variant of Uncertain Significance. Advanced modeling of protein sequence and biophysical properties (such as structural, functional, and spatial information, amino acid conservation, physicochemical variation, residue mobility, and thermodynamic stability) performed at Invitae indicates that this missense variant is not expected to disrupt SMARCD2 protein function. This variant has not been reported in the literature in individuals affected with SMARCD2-related conditions. This variant is present in population databases (no rsID available, gnomAD 0.01%). This sequence change replaces aspartic acid, which is acidic and polar, with histidine, which is basic and polar, at codon 210 of the SMARCD2 protein (p.Asp210His).

NM_001098426.2(SMARCD2):c.628G>C (p.Asp210His)

Gene: SMARCD2 (SWI/SNF related BAF chromatin remodeling complex subunit D2; minus strand). Cytogenetic location: 17q23.3.
Variant type: single nucleotide variant.
Coding change: c.628G>C on transcript NM_001098426.2 (MANE Select); coding-DNA position 628, G replaced by C.
Protein change: p.Asp210His; replaces aspartic acid 210 with histidine.
Molecular consequence: missense variant.
Genome position (GRCh38, 1-based): chr17:63,835,507, C>G on the plus strand (G>C on the coding strand, the complement: SMARCD2 is on the minus strand). VCF-style: chr17-63835507-C-G. GRCh37 (hg19) VCF-style: chr17-61912867-C-G.
Other names: c.403G>C, p.Asp135His (NM_001330439.1); c.484G>C, p.Asp162His (NM_001330440.2); short protein forms D135H, D162H, D210H.
Identifiers: ClinVar variation 2801731 (VCV002801731.3), dbSNP rs773107708, ClinGen allele CA400600918.